The following is an entry in ClinVar:

ClinVar aggregate classification (germline): Conflicting classifications of pathogenicity. Review status: criteria provided, conflicting classifications (1 of 4 stars). 6 submissions from 6 submitters: Uncertain significance (4); Likely benign (1). 1 of the submissions does not count toward it. Last evaluated 2025-12-23.

Conditions:
Inborn genetic diseases. Identifiers: MedGen C0950123, MeSH D030342.
Spastic paraplegia. Identifiers: MedGen C0037772, HP:0001258.
Charlevoix-Saguenay spastic ataxia (SACS). Also called: Spastic ataxia of Charlevoix-Saguenay; SPASTIC ATAXIA 6, AUTOSOMAL RECESSIVE; AUTOSOMAL RECESSIVE SPASTIC ATAXIA OF CHARLEVOIX-SAGUENAY. Identifiers: Orphanet 98, MedGen C1849140, MONDO:0010041, OMIM 270550.

Allele frequency attached by ClinVar (database versions not stated): ExAC 0.00002; gnomAD 0.00003 and 0.00004; gnomAD exomes 0.00003 and 0.00007; TOPMed 0.00004; ESP Exome Variant Server 0.00008.
gnomAD v4.1: 104 of 1,613,742 alleles (0.0064%); highest among the groups gnomAD compares: Non-Finnish European, 0.0082%; no homozygotes.

Submissions (6):

Labcorp Genetics (formerly Invitae), Labcorp
Classification: Likely benign for Spastic paraplegia. Last evaluated: 2025-12-23. Review status: criteria provided, single submitter. Criteria: Invitae Variant Classification Sherloc (09022015). Collection method: clinical testing. Allele origin: germline.

GeneDx
Classification: Uncertain significance. Last evaluated: 2023-12-06. Review status: criteria provided, single submitter. Criteria: GeneDx Variant Classification Process June 2021. Collection method: clinical testing. Allele origin: germline. Affected: yes.
Comment: Not observed at significant frequency in large population cohorts (gnomAD); In silico analysis supports that this missense variant does not alter protein structure/function; Has not been previously published as pathogenic or benign to our knowledge

Genome-Nilou Lab
Classification: Uncertain significance for Charlevoix-Saguenay spastic ataxia. Last evaluated: 2021-09-05. Review status: criteria provided, single submitter. Criteria: ACMG Guidelines, 2015. Collection method: clinical testing. Allele origin: germline. Affected: no.

Ambry Genetics
Classification: Uncertain significance for Inborn genetic diseases. Last evaluated: 2021-03-26. Review status: criteria provided, single submitter. Criteria: Ambry Variant Classification Scheme 2023. Collection method: clinical testing. Allele origin: germline.
Comment: The c.9031A>G (p.I3011V) alteration is located in exon 10 (coding exon 9) of the SACS gene. This alteration results from a A to G substitution at nucleotide position 9031, causing the isoleucine (I) at amino acid position 3011 to be replaced by a valine (V). The p.I3011V alteration is predicted to be tolerated by in silico analysis. Based on insufficient or conflicting evidence, the clinical significance of this alteration remains unclear.

Illumina Laboratory Services, Illumina
Classification: Uncertain significance for Charlevoix-Saguenay spastic ataxia. Last evaluated: 2018-01-13. Review status: criteria provided, single submitter. Criteria: ICSL Variant Classification Criteria 13 December 2019. Collection method: clinical testing. Allele origin: germline.

Natera, Inc.
Classification: Uncertain significance for Charlevoix-Saguenay type spastic ataxia. Last evaluated: 2020-07-08. Review status: no assertion criteria provided. Collection method: clinical testing. Allele origin: germline. Not counted in ClinVar's aggregate classification.

NM_014363.6(SACS):c.9031A>G (p.Ile3011Val)

Gene: SACS (sacsin molecular chaperone; minus strand). Cytogenetic location: 13q12.12.
Variant type: single nucleotide variant.
Coding change: c.9031A>G on transcript NM_014363.6 (MANE Select); coding-DNA position 9031, A replaced by G.
Protein change: p.Ile3011Val; replaces isoleucine 3011 with valine.
Molecular consequence: missense variant.
Genome position (GRCh38, 1-based): chr13:23,334,845, T>C on the plus strand (A>G on the coding strand, the complement: SACS is on the minus strand). VCF-style: chr13-23334845-T-C. GRCh37 (hg19) VCF-style: chr13-23908984-T-C.
Other names: c.8590A>G, p.Ile2864Val (NM_001278055.2); c.9031A>G (NM_014363.4); short protein forms I3011V, I2864V.
Identifiers: ClinVar variation 240904 (VCV000240904.17), dbSNP rs377657177, ClinGen allele CA6910674.